The following is an entry in ClinVar:

ClinVar aggregate classification (germline): Uncertain significance (1 of 4 stars; one submission).

Conditions:
Familial thoracic aortic aneurysm and aortic dissection (TAAD). Also called: Thoracic aortic aneurysms and dissections. Identifiers: Orphanet 91387, MedGen C4707243, MONDO:0019625.

Submission:

All of Us Research Program, National Institutes of Health
Classification: Uncertain significance for Familial thoracic aortic aneurysm and aortic dissection. Last evaluated: 2023-06-26. Review status: criteria provided, single submitter. Criteria: ACMG Guidelines, 2015. Collection method: clinical testing. Allele origin: germline. Inheritance: Autosomal dominant inheritance. Observed: 1 variant allele, 1 heterozygote.
Comment: This missense variant replaces threonine with lysine at codon 562 of the MYH11 protein. Computational prediction suggests that this variant may not impact protein structure and function (internally defined REVEL score threshold <= 0.5, PMID: 27666373). To our knowledge, functional studies have not been reported for this variant. This variant has not been reported in individuals affected with MYH11-related disorders in the literature. This variant has not been identified in the general population by the Genome Aggregation Database (gnomAD). The available evidence is insufficient to determine the role of this variant in disease conclusively. Therefore, this variant is classified as a Variant of Uncertain Significance.

This study involves interpretation of variants in research participants for the purpose of population health screening. Participant phenotype was not available at the time of variant classification. Additional details can be found in publication PMID: 35346344, PMCID: PMC8962531

NM_002474.3(MYH11):c.1664C>A (p.Thr555Lys)

Gene: MYH11 (myosin heavy chain 11; minus strand). Cytogenetic location: 16p13.11.
Variant type: single nucleotide variant.
Coding change: c.1664C>A on transcript NM_002474.3 (MANE Select); coding-DNA position 1664, C replaced by A.
Protein change: p.Thr555Lys; replaces threonine 555 with lysine.
Molecular consequence: missense variant.
Genome position (GRCh38, 1-based): chr16:15,756,426, G>T on the plus strand (C>A on the coding strand, the complement: MYH11 is on the minus strand). VCF-style: chr16-15756426-G-T. GRCh37 (hg19) VCF-style: chr16-15850283-G-T.
Other names: c.1685C>A, p.Thr562Lys (NM_001040113.2, NM_001040114.2); c.1664C>A, p.Thr555Lys (NM_022844.3); short protein forms T555K, T562K.
Identifiers: ClinVar variation 3072131 (VCV003072131.1), dbSNP rs2041718828, ClinGen allele CA394870426.